The following is an entry in ClinVar:

ClinVar aggregate classification (germline): Uncertain significance (1 of 4 stars; one submission).

Conditions:
Cardiomyopathy (CMYO). Also called: Cardiomyopathies. Identifiers: Orphanet 167848, MedGen C0878544, MONDO:0004994, HP:0001638. Inheritance: Various modes of inheritance.

Submission:

Color Diagnostics, LLC DBA Color Health
Classification: Uncertain significance for Cardiomyopathy. Last evaluated: 2024-12-23. Review status: criteria provided, single submitter. Criteria: ACMG Guidelines, 2015. Collection method: clinical testing. Allele origin: germline.
Comment: This missense variant replaces serine with alanine at codon 999 of the DSG2 protein. Computational prediction suggests that this variant may not impact protein structure and function (internally defined REVEL score threshold <= 0.5, PMID: 27666373). To our knowledge, functional studies have not been reported for this variant. This variant has not been reported in individuals affected with DSG2-related disorders in the literature. This variant has not been identified in the general population by the Genome Aggregation Database (gnomAD). The available evidence is insufficient to determine the role of this variant in disease conclusively. Therefore, this variant is classified as a Variant of Uncertain Significance.

NM_001943.5(DSG2):c.2995T>G (p.Ser999Ala)

Genes: DSG2 (desmoglein 2; plus strand), DSG2-AS1 (DSG2 antisense RNA 1; minus strand). Cytogenetic location: 18q12.1.
Variant type: single nucleotide variant.
Coding change: c.2995T>G on transcript NM_001943.5 (MANE Select); coding-DNA position 2995, T replaced by G.
Protein change: p.Ser999Ala; replaces serine 999 with alanine.
Molecular consequence: missense variant.
Genome position (GRCh38, 1-based): chr18:31,546,381, T>G. VCF-style: chr18-31546381-T-G. GRCh37 (hg19) VCF-style: chr18-29126344-T-G.
Other names: short protein forms S999A.
Identifiers: ClinVar variation 3893907 (VCV003893907.1).